The following is an entry in ClinVar:

ClinVar aggregate classification (germline): Likely pathogenic (1 of 4 stars; one submission).

Conditions:
Brugada syndrome. Also called: Sudden unexplained nocturnal death syndrome; Sudden Unexplained Death Syndrome; Sudden Unexplained Nocturnal Death Syndrome (SUNDS); Sudden unexpected nocturnal death syndrome. Identifiers: Orphanet 130, MedGen C1142166, MONDO:0015263.

Submission:

Department of Genetics and Molecular Biology, Isfahan University of Medical Sciences
Classification: Likely pathogenic for Brugada syndrome. Last evaluated: 2025-05-24. Review status: criteria provided, single submitter. Criteria: ACMG Guidelines, 2015. Collection method: clinical testing. Allele origin: germline. Affected: yes.
Comment: The c.6749C>T variant affects a highly conserved residue within a critical functional domain of ankyrin-B (PM1). It is absent from population databases (PM2) and assumed de novo (PM6). Multiple computational tools predict a deleterious effect on protein function (PP3). Clinical correlation with the Brugada syndrome phenotype supports a likely pathogenic classification. However, further functional validation and family segregation studies are recommended to confirm pathogenicity.

The affected residue is highly conserved and located in a functionally important domain of ankyrin-B. Computational and population data support pathogenicity. Functional studies are limited; additional research and family segregation analysis are recommended to further clarify clinical significance.

NM_001148.6(ANK2):c.6749C>T (p.Ser2250Leu)

Gene: ANK2 (ankyrin 2; plus strand). Cytogenetic location: 4q26.
Variant type: single nucleotide variant.
Coding change: c.6749C>T on transcript NM_001148.6 (MANE Select); coding-DNA position 6749, C replaced by T.
Protein change: p.Ser2250Leu; replaces serine 2250 with leucine.
Molecular consequence: missense variant. On other transcripts: intron variant (68).
Genome position (GRCh38, 1-based): chr4:113,355,367, C>T. VCF-style: chr4-113355367-C-T. GRCh37 (hg19) VCF-style: chr4-114276523-C-T.
Other names: c.6515C>T, p.Ser2172Leu (NM_001386142.1); c.3149C>T, p.Ser1050Leu (NM_001386166.1); c.6890C>T, p.Ser2297Leu (NM_001386174.1); c.6866C>T, p.Ser2289Leu (NM_001386175.1); c.4411+5118C>T (NM_001386186.2, NM_001386148.2); c.4213+5118C>T (NM_001354269.3); c.4291+5118C>T (NM_001386187.2); c.4252+5118C>T (NM_001386147.1); and 35 more; short protein forms S1050L, S2172L, S2250L, S2289L, S2297L.
Identifiers: ClinVar variation 4075802 (VCV004075802.1), dbSNP rs1049367287.
Genomic context (GRCh38, chr4:113,355,367, plus strand): 5'-GCTATAAGCATGAAGGCCTAGCAGAGACCCCTGAGACGAGCCCAGAAAGCCTTTCTTTCT[C>T]ACCAAAGAAAAGTGAGGAGCAAACTGGGGAAACAAAGGAAAGCACCAAGACAGAAACCAC-3'
Protein context (NP_001139.3, residues 2240-2260): PETSPESLSF[Ser2250Leu]PKKSEEQTGE